The following is an entry in ClinVar:

NM_000330.4(RS1):c.251C>G (p.Ser84Cys)

Genes: CDKL5 (cyclin dependent kinase like 5; plus strand), RS1 (retinoschisin 1; minus strand). Cytogenetic location: Xp22.13.
Variant type: single nucleotide variant.
Coding change: c.251C>G on transcript NM_000330.4 (MANE Select); coding-DNA position 251, C replaced by G.
Protein change: p.Ser84Cys; replaces serine 84 with cysteine.
Molecular consequence: missense variant. On other transcripts: intron variant (2).
Genome position (GRCh38, 1-based): chrX:18,647,266, G>C on the plus strand (C>G on the coding strand, the complement: RS1 is on the minus strand). VCF-style: chrX-18647266-G-C. GRCh37 (hg19) VCF-style: chrX-18665386-G-C.
Other names: c.2797+1176G>C (NM_003159.3, NM_001037343.2); short protein forms S84C.
Identifiers: ClinVar variation 2901748 (VCV002901748.7), dbSNP rs1338396929, ClinGen allele CA412372880.

ClinVar aggregate classification (germline): Conflicting classifications of pathogenicity. Review status: criteria provided, conflicting classifications (1 of 4 stars). 2 submissions from 2 submitters: Likely pathogenic (1); Uncertain significance (1). Last evaluated 2025-09-26.

Submissions (2):

Women's Health and Genetics/Laboratory Corporation of America, LabCorp
Classification: Uncertain significance. Last evaluated: 2025-09-26. Review status: criteria provided, single submitter. Criteria: LabCorp Variant Classification Summary - May 2015. Collection method: clinical testing. Allele origin: germline.
Comment: Variant summary: RS1 c.251C>G (p.Ser84Cys) results in a non-conservative amino acid change located in the coagulation factor 5/8 C-terminal domain (IPR000421) of the encoded protein sequence. Algorithms developed to predict the effect of missense changes on protein structure and function all suggest that this variant is likely to be disruptive. The variant allele was found at a frequency of 5.5e-06 in 183483 control chromosomes. The available data on variant occurrences in the general population are insufficient to allow any conclusion about variant significance. c.251C>G has been observed in at least one hemizygous male affected with Juvenile Retinoschisis (e.g. Smith_2020). These data do not provide sufficient evidence to allow any conclusion about variant significance. To our knowledge, no experimental evidence demonstrating an impact on protein function has been reported. The following publication has been ascertained in the context of this evaluation (PMID: 32124668). ClinVar contains an entry for this variant (Variation ID: 2901748). Based on the evidence outlined above, the variant was classified as uncertain significance.

Labcorp Genetics (formerly Invitae), Labcorp
Classification: Likely pathogenic. Last evaluated: 2023-12-17. Review status: criteria provided, single submitter. Criteria: Invitae Variant Classification Sherloc (09022015). Collection method: clinical testing. Allele origin: germline.
Comment: This sequence change replaces serine, which is neutral and polar, with cysteine, which is neutral and slightly polar, at codon 84 of the RS1 protein (p.Ser84Cys). This variant is present in population databases (no rsID available, gnomAD 0.004%). This missense change has been observed in individual(s) with X-linked juvenile retinoschisis (PMID: 32124668). Advanced modeling of protein sequence and biophysical properties (such as structural, functional, and spatial information, amino acid conservation, physicochemical variation, residue mobility, and thermodynamic stability) performed at Invitae indicates that this missense variant is expected to disrupt RS1 protein function with a positive predictive value of 95%. In summary, the currently available evidence indicates that the variant is pathogenic, but additional data are needed to prove that conclusively. Therefore, this variant has been classified as Likely Pathogenic.

Literature cited by the submitters: PubMed 32124668 (cited by Women's Health and Genetics/Laboratory Corporation of America, LabCorp and Labcorp Genetics (formerly Invitae), Labcorp).